The following is an entry in ClinVar:

ClinVar aggregate classification (germline): Pathogenic/Likely pathogenic. Review status: criteria provided, multiple submitters, no conflicts (2 of 4 stars). 5 submissions from 5 submitters: Pathogenic (3); Likely pathogenic (1). 1 of the submissions does not count toward it. Last evaluated 2025-08-24.

Conditions:
Cardiomyopathy (CMYO). Also called: Cardiomyopathies. Identifiers: Orphanet 167848, MedGen C0878544, MONDO:0004994, HP:0001638. Inheritance: Various modes of inheritance.
Hypertrophic cardiomyopathy. Also called: HYPERTROPHIC MYOCARDIOPATHY. Identifiers: Orphanet 217569, MedGen C0007194, MeSH D002312, MONDO:0005045, HP:0001639.

Submissions (5):

Labcorp Genetics (formerly Invitae), Labcorp
Classification: Pathogenic for Hypertrophic cardiomyopathy. Last evaluated: 2025-08-24. Review status: criteria provided, single submitter. Criteria: Invitae Variant Classification Sherloc (09022015). Collection method: clinical testing. Allele origin: germline.
Comment: This sequence change creates a premature translational stop signal (p.Val437Glyfs*13) in the MYBPC3 gene. It is expected to result in an absent or disrupted protein product. Loss-of-function variants in MYBPC3 are known to be pathogenic (PMID: 19574547). This variant is not present in population databases (gnomAD no frequency). This premature translational stop signal has been observed in individual(s) with hypertrophic cardiomyopathy (PMID: 12707239). ClinVar contains an entry for this variant (Variation ID: 42522). Algorithms developed to predict the effect of sequence changes on RNA splicing suggest that this variant may create or strengthen a splice site. For these reasons, this variant has been classified as Pathogenic.

Women's Health and Genetics/Laboratory Corporation of America, LabCorp
Classification: Pathogenic for Cardiomyopathy. Last evaluated: 2025-06-26. Review status: criteria provided, single submitter. Criteria: LabCorp Variant Classification Summary - May 2015. Collection method: clinical testing. Allele origin: germline.
Comment: Variant summary: MYBPC3 c.1310delT (p.Val437GlyfsX13) results in a premature termination codon, predicted to cause a truncation of the encoded protein or absence of the protein due to nonsense mediated decay, which are commonly known mechanisms for disease. The variant was absent in 246620 control chromosomes. c.1310delT has been observed in individual(s) affected with Cardiomyopathy (Chanavat_2016). To our knowledge, no experimental evidence demonstrating an impact on protein function has been reported. The following publication have been ascertained in the context of this evaluation (PMID: 26688388). ClinVar contains an entry for this variant (Variation ID: 42522). Based on the evidence outlined above, the variant was classified as pathogenic.

GeneDx
Classification: Likely pathogenic. Last evaluated: 2025-02-05. Review status: criteria provided, single submitter. Criteria: GeneDx Variant Classification Process June 2021. Collection method: clinical testing. Allele origin: germline. Affected: yes.
Comment: Frameshift variant predicted to result in protein truncation or nonsense mediated decay in a gene for which loss of function is a known mechanism of disease; Not observed at significant frequency in large population cohorts (gnomAD); Has not been previously published as pathogenic or benign to our knowledge; This variant is associated with the following publications: (PMID: 12707239)

Laboratory for Molecular Medicine, Mass General Brigham Personalized Medicine
Classification: Pathogenic for Hypertrophic cardiomyopathy. Last evaluated: 2011-02-17. Review status: criteria provided, single submitter. Criteria: LMM Criteria. Collection method: clinical testing. Allele origin: germline. Observed: 3 variant alleles.
Comment: The Val437fs variant has been reported in 1 individual with HCM and was absent f rom 200 control chromosomes (Richard 2003). In addition, this variant has not be en previously identified in over 3300 Caucasian chromosomes tested by our labora tory. This low frequency increases the likelihood that this variant is disease c ausing. Furthermore, the Val437fs variant is predicted to cause a frameshift, w hich alters the protein's amino acid sequence beginning at codon 437 and leads t o a premature stop codon 13 amino acids downstream. This alteration is then pred icted to lead to a truncated or absent protein. Loss of function is an establish ed mechanism of disease for the MYBPC3 gene, which makes it highly likely that t he Val437fs variant is pathogenic.

Zaffran Lab, Genetics of Cardiac Diseases Laboratory, Marseille Medical Genetics
Classification: Likely pathogenic for hypertrophic cardiomyopathy. Review status: no assertion criteria provided. Collection method: research. Allele origin: unknown. Affected: yes. Not counted in ClinVar's aggregate classification.

Literature cited by the submitters: PubMed 19574547 (cited by Labcorp Genetics (formerly Invitae), Labcorp); PubMed 12707239 (cited by Labcorp Genetics (formerly Invitae), Labcorp and Laboratory for Molecular Medicine, Mass General Brigham Personalized Medicine); PubMed 26688388 (cited by Women's Health and Genetics/Laboratory Corporation of America, LabCorp).

NM_000256.3(MYBPC3):c.1310del (p.Val437fs)

Gene: MYBPC3 (myosin binding protein C3; minus strand). Cytogenetic location: 11p11.2.
Variant type: Deletion.
Coding change: c.1310del on transcript NM_000256.3 (MANE Select); coding-DNA position 1310, one base deleted (T; older notation c.1310delT).
Protein change: p.Val437fs; shifts the reading frame from valine 437.
Molecular consequence: frameshift variant.
Genome position (GRCh38, 1-based): chr11:47,343,062, A deleted on the plus strand (T on the coding strand, the reverse complement: MYBPC3 is on the minus strand). VCF-style (leftmost placement, unchanged base first): chr11-47343061-CA-C. GRCh37 (hg19) VCF-style: chr11-47364612-CA-C.
Other names: c.1310del, p.Val437fs (LRG_386t1); c.1310delT (NM_000256.3); short protein forms V437fs.
Identifiers: ClinVar variation 42522 (VCV000042522.14), dbSNP rs397515896, ClinGen allele CA010069.